The following is an entry in ClinVar:

NM_000384.3(APOB):c.1858A>G (p.Lys620Glu)

Gene: APOB (apolipoprotein B; minus strand). Cytogenetic location: 2p24.1.
Variant type: single nucleotide variant.
Coding change: c.1858A>G on transcript NM_000384.3 (MANE Select); coding-DNA position 1858, A replaced by G.
Protein change: p.Lys620Glu; replaces lysine 620 with glutamic acid.
Molecular consequence: missense variant.
Genome position (GRCh38, 1-based): chr2:21,028,037, T>C on the plus strand (A>G on the coding strand, the complement: APOB is on the minus strand). VCF-style: chr2-21028037-T-C. GRCh37 (hg19) VCF-style: chr2-21250909-T-C.
Other names: short protein forms K620E.
Identifiers: ClinVar variation 1781443 (VCV001781443.5), dbSNP rs192869978, ClinGen allele CA054757.

ClinVar aggregate classification (germline): Conflicting classifications of pathogenicity. Review status: criteria provided, conflicting classifications (1 of 4 stars). 2 submissions from 2 submitters: Uncertain significance (1); Benign (1). Last evaluated 2023-11-17.

Conditions:
Cardiovascular phenotype. Identifiers: MedGen CN230736.
Familial hypobetalipoproteinemia 1. Also called: Hypobetalipoproteinemia, normotriglyceridemic; Acanthocytosis with hypobetalipoproteinemia; APOB-Related Familial Hypobetalipoproteinemia. Identifiers: MedGen C4551990, MONDO:0014252, OMIM 615558.
Hypercholesterolemia, autosomal dominant, type B (FHCL2). Also called: Familial Hypercholesterolemia Type B; APOLIPOPROTEIN B-100, FAMILIAL DEFECTIVE; APOLIPOPROTEIN B-100, FAMILIAL LIGAND-DEFECTIVE; HYPERCHOLESTEROLEMIA, FAMILIAL, DUE TO LIGAND-DEFECTIVE APOLIPOPROTEIN B; Familial hypercholesterolemia 2; APOB-Related Familial Hypercholesterolemia, Autosomal Dominant. Identifiers: MedGen C1704417, MONDO:0007751, OMIM 144010.

Allele frequency attached by ClinVar (database versions not stated): gnomAD exomes below 0.00001; TOPMed below 0.00001; ExAC 0.00001; gnomAD 0.00001; 1000 Genomes Project 0.00020; 1000 Genomes Project 30x 0.00031.
gnomAD v4.1: 5 of 1,613,282 alleles (0.00031%); highest among the groups gnomAD compares: African/African-American, 0.0067%; no homozygotes.

Submissions (2):

Labcorp Genetics (formerly Invitae), Labcorp
Classification: Benign for Familial hypobetalipoproteinemia 1; Hypercholesterolemia, autosomal dominant, type B. Last evaluated: 2023-11-17. Review status: criteria provided, single submitter. Criteria: Invitae Variant Classification Sherloc (09022015). Collection method: clinical testing. Allele origin: germline.

Ambry Genetics
Classification: Uncertain significance for Cardiovascular phenotype. Last evaluated: 2021-10-29. Review status: criteria provided, single submitter. Criteria: Ambry Variant Classification Scheme 2023. Collection method: clinical testing. Allele origin: germline.
Comment: The p.K620E variant (also known as c.1858A>G), located in coding exon 14 of the APOB gene, results from an A to G substitution at nucleotide position 1858. The lysine at codon 620 is replaced by glutamic acid, an amino acid with similar properties. This amino acid position is conserved. In addition, this alteration is predicted to be tolerated by in silico analysis. Since supporting evidence is limited at this time, the clinical significance of this alteration remains unclear.